The following is an entry in ClinVar:

NM_000400.4(ERCC2):c.1894A>G (p.Ile632Val)

Gene: ERCC2 (ERCC excision repair 2, TFIIH core complex helicase subunit; minus strand). Cytogenetic location: 19q13.32.
Variant type: single nucleotide variant.
Coding change: c.1894A>G on transcript NM_000400.4 (MANE Select); coding-DNA position 1894, A replaced by G.
Protein change: p.Ile632Val; replaces isoleucine 632 with valine.
Molecular consequence: missense variant.
Genome position (GRCh38, 1-based): chr19:45,352,754, T>C on the plus strand (A>G on the coding strand, the complement: ERCC2 is on the minus strand). VCF-style: chr19-45352754-T-C. GRCh37 (hg19) VCF-style: chr19-45856012-T-C.
Other names: short protein forms I632V.
Identifiers: ClinVar variation 3276254 (VCV003276254.1).

ClinVar aggregate classification (germline): Uncertain significance (1 of 4 stars; one submission).

Conditions:
Inborn genetic diseases. Identifiers: MedGen C0950123, MeSH D030342.

Submission:

Ambry Genetics
Classification: Uncertain significance for Inborn genetic diseases. Last evaluated: 2024-04-05. Review status: criteria provided, single submitter. Criteria: Ambry Variant Classification Scheme 2023. Collection method: clinical testing. Allele origin: germline.
Comment: The p.I632V variant (also known as c.1894A>G), located in coding exon 20 of the ERCC2 gene, results from an A to G substitution at nucleotide position 1894. The isoleucine at codon 632 is replaced by valine, an amino acid with highly similar properties. This amino acid position is conserved. In addition, this alteration is predicted to be tolerated by in silico analysis. Based on the available evidence, the clinical significance of this variant remains unclear.